The following is an entry in ClinVar:

NM_004371.4(COPA):c.2954G>A (p.Arg985His)

Gene: COPA (coat protein complex I subunit alpha; minus strand). Cytogenetic location: 1q23.2.
Variant type: single nucleotide variant.
Coding change: c.2954G>A on transcript NM_004371.4 (MANE Select); coding-DNA position 2954, G replaced by A.
Protein change: p.Arg985His; replaces arginine 985 with histidine.
Molecular consequence: missense variant.
Genome position (GRCh38, 1-based): chr1:160,292,490, C>T on the plus strand (G>A on the coding strand, the complement: COPA is on the minus strand). VCF-style: chr1-160292490-C-T. GRCh37 (hg19) VCF-style: chr1-160262280-C-T.
Other names: c.2981G>A, p.Arg994His (NM_001098398.2); c.2981G>A (NM_001098398.1); short protein forms R994H, R985H.
Identifiers: ClinVar variation 2067708 (VCV002067708.5), dbSNP rs766688773, ClinGen allele CA1197733.

ClinVar aggregate classification (germline): Uncertain significance. Review status: criteria provided, multiple submitters, no conflicts (2 of 4 stars). 2 submissions from 2 submitters: Uncertain significance (2). Last evaluated 2025-09-08.

Conditions:
Autoimmune interstitial lung disease-arthritis syndrome. Also called: Autoinflammation and autoimmunity, systemic, with immune dysregulation. Identifiers: Orphanet 444092, MedGen C5975714, MONDO:0014629.
Inborn genetic diseases. Identifiers: MedGen C0950123, MeSH D030342.

Allele frequency attached by ClinVar (database versions not stated): gnomAD 0.00001; gnomAD exomes 0.00001; TOPMed 0.00001.
gnomAD v4.1: 16 of 1,613,064 alleles (0.00099%); highest among the groups gnomAD compares: East Asian, 0.0022%; no homozygotes.

Submissions (2):

Labcorp Genetics (formerly Invitae), Labcorp
Classification: Uncertain significance for Autoimmune interstitial lung disease-arthritis syndrome. Last evaluated: 2025-09-08. Review status: criteria provided, single submitter. Criteria: Invitae Variant Classification Sherloc (09022015). Collection method: clinical testing. Allele origin: germline.
Comment: This sequence change replaces arginine, which is basic and polar, with histidine, which is basic and polar, at codon 985 of the COPA protein (p.Arg985His). This variant is present in population databases (rs766688773, gnomAD 0.003%). This variant has not been reported in the literature in individuals affected with COPA-related conditions. ClinVar contains an entry for this variant (Variation ID: 2067708). Invitae Evidence Modeling of protein sequence and biophysical properties (such as structural, functional, and spatial information, amino acid conservation, physicochemical variation, residue mobility, and thermodynamic stability) indicates that this missense variant is expected to disrupt COPA protein function with a positive predictive value of 80%. In summary, the available evidence is currently insufficient to determine the role of this variant in disease. Therefore, it has been classified as a Variant of Uncertain Significance.

Ambry Genetics
Classification: Uncertain significance for Inborn genetic diseases. Last evaluated: 2023-12-14. Review status: criteria provided, single submitter. Criteria: Ambry Variant Classification Scheme 2023. Collection method: clinical testing. Allele origin: germline.